The following is an entry in ClinVar:

ClinVar aggregate classification (germline): Uncertain significance. Review status: criteria provided, multiple submitters, no conflicts (2 of 4 stars). 3 submissions from 3 submitters: Uncertain significance (3). Last evaluated 2026-07-29.

Conditions:
RPGRIP1L-related disorder. Also called: RPGRIP1L-related disorders; RPGRIP1L-related condition. Identifiers: MedGen CN239416.

Allele frequency attached by ClinVar (database versions not stated): gnomAD exomes below 0.00001.
gnomAD v4.1: 6 of 1,613,834 alleles (0.00037%); highest among the groups gnomAD compares: Non-Finnish European, 0.00051%; no homozygotes.

Submissions (3):

PreventionGenetics, part of Exact Sciences
Classification: Uncertain significance for RPGRIP1L-related condition. Last evaluated: 2026-07-29. Review status: criteria provided, single submitter. Criteria: ACMG Guidelines, 2015. Collection method: clinical testing. Allele origin: germline.
Comment: The RPGRIP1L c.2716C>T variant is predicted to result in the amino acid substitution p.Pro906Ser. To our knowledge, this variant has not been reported in the literature or in a large population database (gnomAD), indicating this variant is rare. At this time, the clinical significance of this variant is uncertain due to the absence of conclusive functional and genetic evidence.

Blueprint Genetics
Classification: Uncertain significance. Last evaluated: 2019-12-17. Review status: criteria provided, single submitter. Criteria: ACMG Guidelines, 2015. Collection method: clinical testing. Allele origin: germline.

Eurofins Ntd Llc (ga)
Classification: Uncertain significance. Last evaluated: 2014-04-24. Review status: criteria provided, single submitter. Criteria: EGL Classification Definitions 2015. Collection method: clinical testing. Allele origin: germline. Observed: 1 variant allele, 1 heterozygote.

NM_015272.5(RPGRIP1L):c.2716C>T (p.Pro906Ser)

Gene: RPGRIP1L (RPGRIP1 like; minus strand). Cytogenetic location: 16q12.2.
Variant type: single nucleotide variant.
Coding change: c.2716C>T on transcript NM_015272.5 (MANE Select); coding-DNA position 2716, C replaced by T.
Protein change: p.Pro906Ser; replaces proline 906 with serine.
Molecular consequence: missense variant.
Genome position (GRCh38, 1-based): chr16:53,641,443, G>A on the plus strand (C>T on the coding strand, the complement: RPGRIP1L is on the minus strand). VCF-style: chr16-53641443-G-A. GRCh37 (hg19) VCF-style: chr16-53675355-G-A.
Other names: c.2716C>T, p.Pro906Ser (NM_001127897.4, NM_001308334.3, NM_001330538.2); c.2716C>T (NM_015272.4); short protein forms P906S.
Identifiers: ClinVar variation 166908 (VCV000166908.8), dbSNP rs727503875, ClinGen allele CA233777.